The following is an entry in ClinVar:

NM_018896.5(CACNA1G):c.4381C>T (p.Arg1461Trp)

Gene: CACNA1G (calcium voltage-gated channel subunit alpha1 G; plus strand). Cytogenetic location: 17q21.33.
Variant type: single nucleotide variant.
Coding change: c.4381C>T on transcript NM_018896.5 (MANE Select); coding-DNA position 4381, C replaced by T.
Protein change: p.Arg1461Trp; replaces arginine 1461 with tryptophan.
Molecular consequence: missense variant. On other transcripts: non-coding transcript variant (5).
Genome position (GRCh38, 1-based): chr17:50,605,982, C>T. VCF-style: chr17-50605982-C-T. GRCh37 (hg19) VCF-style: chr17-48683343-C-T.
Other names: c.4381C>T, p.Arg1461Trp (NM_001256324.2, NM_001256325.2, NM_001256326.2 and 16 more transcripts); c.4312C>T, p.Arg1438Trp (NM_001256332.2, NM_198376.3, NM_198379.3 and 5 more transcripts); short protein forms R1438W, R1461W.
Identifiers: ClinVar variation 3364793 (VCV003364793.2).
Genomic context (GRCh38, chr17:50,605,982, plus strand): 5'-TGCCAGGGCGAGGATACCAGGAACATCACCAATAAATCGGACTGTGCCGAGGCCAGTTAC[C>T]GGTGGGTCCGGCACAAGTACAACTTTGACAACCTTGGCCAGGTGAGCCCCAGGCTCAGAG-3'
Protein context (NP_061496.2, residues 1451-1471): NKSDCAEASY[Arg1461Trp]WVRHKYNFDN

ClinVar aggregate classification (germline): Uncertain significance (1 of 4 stars; one submission).

gnomAD v4.1: 1 of 1,613,854 alleles (0.000062%); highest among the groups gnomAD compares: Non-Finnish European, 0.000085%; no homozygotes.

Submission:

GeneDx
Classification: Uncertain significance. Last evaluated: 2026-02-06. Review status: criteria provided, single submitter. Criteria: GeneDx Variant Classification Process June 2021. Collection method: clinical testing. Allele origin: germline.
Comment: Not observed at significant frequency in large population cohorts (gnomAD); In silico analysis supports that this missense variant has a deleterious effect on protein structure/function; Has not been previously published as pathogenic or benign to our knowledge